The following is an entry in ClinVar:

ClinVar aggregate classification (germline): Uncertain significance (1 of 4 stars; one submission).

Conditions:
Inborn genetic diseases. Identifiers: MedGen C0950123, MeSH D030342.

Submission:

Ambry Genetics
Classification: Uncertain significance for Inborn genetic diseases. Last evaluated: 2024-10-14. Review status: criteria provided, single submitter. Criteria: Ambry Variant Classification Scheme 2023. Collection method: clinical testing. Allele origin: germline.
Comment: The p.P851T variant (also known as c.2551C>A), located in coding exon 23 of the FIG4 gene, results from a C to A substitution at nucleotide position 2551. The proline at codon 851 is replaced by threonine, an amino acid with highly similar properties. This amino acid position is conserved. In addition, this alteration is predicted to be tolerated by in silico analysis. Based on the available evidence, the clinical significance of this variant remains unclear.

NM_014845.6(FIG4):c.2551C>A (p.Pro851Thr)

Gene: FIG4 (FIG4 phosphoinositide 5-phosphatase; plus strand). Cytogenetic location: 6q21.
Variant type: single nucleotide variant.
Coding change: c.2551C>A on transcript NM_014845.6 (MANE Select); coding-DNA position 2551, C replaced by A.
Protein change: p.Pro851Thr; replaces proline 851 with threonine.
Molecular consequence: missense variant.
Genome position (GRCh38, 1-based): chr6:109,825,092, C>A. VCF-style: chr6-109825092-C-A. GRCh37 (hg19) VCF-style: chr6-110146295-C-A.
Other names: short protein forms P851T.
Identifiers: ClinVar variation 3515351 (VCV003515351.1).
Genomic context (GRCh38, chr6:109,825,092, plus strand): 5'-GTGGTCCTTCCTTATATTTTCTTTAATGCAGCCCTCTCTTTATTCATCTTTTATAGAACA[C>A]CCATCTCGGCTTTCTCGCAAGATAACATCTATGAAGTTCAGCCCCCAAGAGTAGACAGAA-3'
Protein context (NP_055660.1, residues 841-861): RCSDGVIKLT[Pro851Thr]ISAFSQDNIY